The following is an entry in ClinVar:

ClinVar aggregate classification (germline): Uncertain significance. Review status: criteria provided, multiple submitters, no conflicts (2 of 4 stars). 4 submissions from 4 submitters: Uncertain significance (4). Last evaluated 2025-10-22.

Conditions:
Cardiovascular phenotype. Identifiers: MedGen CN230736.

Allele frequency attached by ClinVar (database versions not stated): ExAC 0.00005; gnomAD 0.00005; TOPMed 0.00006; ESP Exome Variant Server 0.00022.
gnomAD v4.1: 121 of 1,549,280 alleles (0.0078%); highest among the groups gnomAD compares: East Asian, 0.012%; no homozygotes.

Submissions (4):

Women's Health and Genetics/Laboratory Corporation of America, LabCorp
Classification: Uncertain significance. Last evaluated: 2025-10-22. Review status: criteria provided, single submitter. Criteria: LabCorp Variant Classification Summary - May 2015. Collection method: clinical testing. Allele origin: germline.
Comment: Variant summary: ZNF469 c.4478C>T (p.Pro1493Leu) results in a non-conservative amino acid change in the encoded protein sequence. Algorithms developed to predict the effect of missense changes on protein structure and function are either unavailable or do not agree on the potential impact of this missense change. The variant allele was found at a frequency of 2.6e-05 in 153140 control chromosomes. The available data on variant occurrences in the general population are insufficient to allow any conclusion about variant significance. c.4478C>T has been observed in individual(s) affected with keratoconus, but was also found in control(s) (Lechner_2014). This report does not provide unequivocal conclusions about association of the variant with Brittle cornea syndrome 1. To our knowledge, no experimental evidence demonstrating an impact on protein function has been reported. The following publication has been ascertained in the context of this evaluation (PMID: 24895405). ClinVar contains an entry for this variant (Variation ID: 2181615). Based on the evidence outlined above, the variant was classified as uncertain significance.

Mayo Clinic Laboratories, Mayo Clinic
Classification: Uncertain significance. Last evaluated: 2025-10-07. Review status: criteria provided, single submitter. Criteria: ACMG Guidelines, 2015. Collection method: clinical testing. Allele origin: germline. Observed: 3 variant alleles.
Comment: BP4_strong

Ambry Genetics
Classification: Uncertain significance for Cardiovascular phenotype. Last evaluated: 2023-06-12. Review status: criteria provided, single submitter. Criteria: Ambry Variant Classification Scheme 2023. Collection method: clinical testing. Allele origin: germline.
Comment: The p.P1465L variant (also known as c.4394C>T), located in coding exon 2 of the ZNF469 gene, results from a C to T substitution at nucleotide position 4394. The proline at codon 1465 is replaced by leucine, an amino acid with similar properties. This alteration has been reported in a keratoconus cohort (Lechner J et al. Hum Mol Genet, 2014 Oct;23:5527-35). This amino acid position is poorly conserved in available vertebrate species. In addition, this alteration is predicted to be tolerated by in silico analysis. Since supporting evidence is limited at this time, the clinical significance of this alteration remains unclear.

Labcorp Genetics (formerly Invitae), Labcorp
Classification: Uncertain significance. Last evaluated: 2021-12-16. Review status: criteria provided, single submitter. Criteria: Invitae Variant Classification Sherloc (09022015). Collection method: clinical testing. Allele origin: germline.
Comment: This sequence change replaces proline, which is neutral and non-polar, with leucine, which is neutral and non-polar, at codon 1465 of the ZNF469 protein (p.Pro1465Leu). This variant is present in population databases (rs369382753, gnomAD 0.01%). This missense change has been observed in individual(s) with clinical features of ZNF469-related conditions (PMID: 24895405). Algorithms developed to predict the effect of missense changes on protein structure and function output the following: SIFT: "Tolerated"; PolyPhen-2: "Benign"; Align-GVGD: "Class C0". The leucine amino acid residue is found in multiple mammalian species, which suggests that this missense change does not adversely affect protein function. In summary, the available evidence is currently insufficient to determine the role of this variant in disease. Therefore, it has been classified as a Variant of Uncertain Significance.

Literature cited by the submitters: PubMed 24895405 (cited by 3 submitters).

NM_001367624.2(ZNF469):c.4478C>T (p.Pro1493Leu)

Gene: ZNF469 (zinc finger protein 469; plus strand). Cytogenetic location: 16q24.2.
Variant type: single nucleotide variant.
Coding change: c.4478C>T on transcript NM_001367624.2 (MANE Select); coding-DNA position 4478, C replaced by T.
Protein change: p.Pro1493Leu; replaces proline 1493 with leucine.
Molecular consequence: missense variant.
Genome position (GRCh38, 1-based): chr16:88,431,948, C>T. VCF-style: chr16-88431948-C-T. GRCh37 (hg19) VCF-style: chr16-88498356-C-T.
Other names: NM_001127464.1:c.4394C>T; p.Pro1493Leu; short protein forms P1493L.
Identifiers: ClinVar variation 2181615 (VCV002181615.8), dbSNP rs369382753, ClinGen allele CA8224966.